The following is an entry in ClinVar:

ClinVar aggregate classification (germline): Uncertain significance (1 of 4 stars; one submission).

Conditions:
Kabuki syndrome. Also called: NIIKAWA-KUROKI SYNDROME; Kabuki make-up syndrome. Identifiers: Orphanet 2322, MedGen C0796004, MONDO:0016512.

Allele frequency attached by ClinVar (database versions not stated): TOPMed below 0.00001; gnomAD 0.00001; gnomAD exomes 0.00001.
gnomAD v4.1: 7 of 1,613,964 alleles (0.00043%); highest among the groups gnomAD compares: Non-Finnish European, 0.00059%; no homozygotes.

Submission:

Labcorp Genetics (formerly Invitae), Labcorp
Classification: Uncertain significance for Kabuki syndrome. Last evaluated: 2024-12-24. Review status: criteria provided, single submitter. Criteria: Invitae Variant Classification Sherloc (09022015). Collection method: clinical testing. Allele origin: germline.
Comment: This sequence change replaces arginine, which is basic and polar, with glutamine, which is neutral and polar, at codon 1611 of the KMT2D protein (p.Arg1611Gln). This variant is not present in population databases (gnomAD no frequency). This variant has not been reported in the literature in individuals affected with KMT2D-related conditions. ClinVar contains an entry for this variant (Variation ID: 2959261). Invitae Evidence Modeling of protein sequence and biophysical properties (such as structural, functional, and spatial information, amino acid conservation, physicochemical variation, residue mobility, and thermodynamic stability) indicates that this missense variant is not expected to disrupt KMT2D protein function with a negative predictive value of 95%. In summary, the available evidence is currently insufficient to determine the role of this variant in disease. Therefore, it has been classified as a Variant of Uncertain Significance.

NM_003482.4(KMT2D):c.4832G>A (p.Arg1611Gln)

Gene: KMT2D (lysine methyltransferase 2D; minus strand). Cytogenetic location: 12q13.12.
Variant type: single nucleotide variant.
Coding change: c.4832G>A on transcript NM_003482.4 (MANE Select); coding-DNA position 4832, G replaced by A.
Protein change: p.Arg1611Gln; replaces arginine 1611 with glutamine.
Molecular consequence: missense variant.
Genome position (GRCh38, 1-based): chr12:49,044,875, C>T on the plus strand (G>A on the coding strand, the complement: KMT2D is on the minus strand). VCF-style: chr12-49044875-C-T. GRCh37 (hg19) VCF-style: chr12-49438658-C-T.
Other names: short protein forms R1611Q.
Identifiers: ClinVar variation 2959261 (VCV002959261.3), dbSNP rs1285271258, ClinGen allele CA384640744.